The following is an entry in ClinVar:

ClinVar aggregate classification (germline): Uncertain significance (1 of 4 stars; one submission).

Conditions:
Dilated cardiomyopathy 1G (CMD1G). Identifiers: Orphanet 154, MedGen C1858763, MONDO:0011400, OMIM 604145.
Autosomal recessive limb-girdle muscular dystrophy type 2J (LGMDR10). Also called: Limb-girdle muscular dystrophy, type 2J; MUSCULAR DYSTROPHY, LIMB-GIRDLE, AUTOSOMAL RECESSIVE 10. Identifiers: Orphanet 140922, MedGen C1837342, MONDO:0012127, OMIM 608807.

gnomAD v4.1: 3 of 1,443,986 alleles (0.00021%); highest among the groups gnomAD compares: Admixed American, 0.003%; no homozygotes.

Submission:

Labcorp Genetics (formerly Invitae), Labcorp
Classification: Uncertain significance for Dilated cardiomyopathy 1G; Autosomal recessive limb-girdle muscular dystrophy type 2J. Last evaluated: 2025-05-17. Review status: criteria provided, single submitter. Criteria: Invitae Variant Classification Sherloc (09022015). Collection method: clinical testing. Allele origin: germline.
Comment: This sequence change falls in intron 114 of the TTN gene. It does not directly change the encoded amino acid sequence of the TTN protein. It affects a nucleotide within the consensus splice site. This variant is not present in population databases (gnomAD no frequency). This variant has not been reported in the literature in individuals affected with TTN-related conditions. Variants that disrupt the consensus splice site are a relatively common cause of aberrant splicing (PMID: 17576681, 9536098). Algorithms developed to predict the effect of sequence changes on RNA splicing suggest that this variant is not likely to affect RNA splicing. This variant is located in the I band of TTN (PMID: 25589632). Non-truncating variants in this region may be clinically relevant, but have not been definitively shown to cause cardiomyopathy or neuromuscular disease (PMID: 27493940, 32778822). In summary, the available evidence is currently insufficient to determine the role of this variant in disease. Therefore, it has been classified as a Variant of Uncertain Significance.

Literature cited by the submitters: PubMed 17576681; PubMed 9536098; PubMed 25589632; PubMed 27493940; PubMed 32778822.

NM_001267550.2(TTN):c.31207+3A>G

Gene: TTN (titin; minus strand). Cytogenetic location: 2q31.2.
Variant type: single nucleotide variant.
Coding change: c.31207+3A>G on transcript NM_001267550.2 (MANE Select); 3 bases into the intron after coding-DNA position 31207, A replaced by G.
Molecular consequence: intron variant.
Genome position (GRCh38, 1-based): chr2:178,695,862, T>C on the plus strand (A>G on the coding strand, the complement: TTN is on the minus strand). VCF-style: chr2-178695862-T-C. GRCh37 (hg19) VCF-style: chr2-179560589-T-C.
Other names: c.13282+42220A>G (NM_003319.4); c.13858+42220A>G (NM_133437.4); c.13657+42220A>G (NM_133432.3); c.27475+3A>G (NM_133378.4); c.30256+3A>G (NM_001256850.1).
Identifiers: ClinVar variation 4783152 (VCV004783152.1).